The following is an entry in ClinVar:

ClinVar aggregate classification (germline): Benign (0 of 4 stars; one submission).

Conditions:
SPNS2-related disorder. Also called: SPNS2-related condition.

Allele frequency attached by ClinVar (database versions not stated): gnomAD 0.00060; 1000 Genomes Project 0.00260; 1000 Genomes Project 30x 0.00281.

Submission:

PreventionGenetics, part of Exact Sciences
Classification: Benign for SPNS2-related condition. Last evaluated: 2019-12-06. Review status: no assertion criteria provided. Collection method: clinical testing. Allele origin: germline.
Comment: This variant is classified as benign based on ACMG/AMP sequence variant interpretation guidelines (Richards et al. 2015 PMID: 25741868, with internal and published modifications).

NM_001124758.3(SPNS2):c.1222G>T (p.Ala408Ser)

Gene: SPNS2 (SPNS lysolipid transporter 2, sphingosine-1-phosphate; plus strand). Cytogenetic location: 17p13.2.
Variant type: single nucleotide variant.
Coding change: c.1222G>T on transcript NM_001124758.3 (MANE Select); coding-DNA position 1222, G replaced by T.
Protein change: p.Ala408Ser; replaces alanine 408 with serine.
Molecular consequence: missense variant.
Genome position (GRCh38, 1-based): chr17:4,533,376, G>T. VCF-style: chr17-4533376-G-T. GRCh37 (hg19) VCF-style: chr17-4436671-G-T.
Other names: short protein forms A408S.
Identifiers: ClinVar variation 3043079 (VCV003043079.2), dbSNP rs201267925, ClinGen allele CA8303220.
Genomic context (GRCh38, chr17:4,533,376, plus strand): 5'-TGCCGCCTGAAGACCCAGCGGGCCGACCCACTGGTGTGTGCCGTGGGCATGCTGGGCTCT[G>T]CCATCTTCATCTGCCTGATCTTCGTGGCTGCCAAGAGCAGCATCGTAGGAGCCTATGTGA-3'
Protein context (NP_001118230.1, residues 398-418): LVCAVGMLGS[Ala408Ser]IFICLIFVAA